The following is an entry in ClinVar:

NM_001065.4(TNFRSF1A):c.-233C>T

Gene: TNFRSF1A (TNF receptor superfamily member 1A; minus strand). Cytogenetic location: 12p13.31.
Variant type: single nucleotide variant.
Coding change: c.-233C>T on transcript NM_001065.4 (MANE Select); 233 bases upstream of the start codon, C replaced by T.
Molecular consequence: 5 prime UTR variant. On other transcripts: non-coding transcript variant (1).
Genome position (GRCh38, 1-based): chr12:6,342,047, G>A on the plus strand (C>T on the coding strand, the complement: TNFRSF1A is on the minus strand). VCF-style: chr12-6342047-G-A. GRCh37 (hg19) VCF-style: chr12-6451213-G-A.
Other names: c.-403C>T (NM_001346091.2); c.-810C>T (NM_001346092.2).
Identifiers: ClinVar variation 310116 (VCV000310116.8), dbSNP rs45537340, ClinGen allele CA10633441.

ClinVar aggregate classification (germline): Likely benign (1 of 4 stars; one submission).

Conditions:
TNF receptor-associated periodic fever syndrome (TRAPS) (FPF). Also called: TNF Receptor-Associated Periodic Fever Syndrome; TNF receptor 1-associated periodic fever syndrome; FAMILIAL HIBERNIAN FEVER; TNF RECEPTOR-ASSOCIATED PERIODIC SYNDROME; TUMOR NECROSIS FACTOR RECEPTOR-ASSOCIATED PERIODIC SYNDROME; Autosomal Dominant Familial Periodic Fever. Identifiers: Orphanet 32960, MedGen C1275126, MONDO:0007727, OMIM 142680.

Allele frequency attached by ClinVar (database versions not stated): gnomAD 0.00026 and 0.00022; TOPMed 0.00033; 1000 Genomes Project 0.00060; 1000 Genomes Project 30x 0.00062; gnomAD exomes 0.00119.
gnomAD v4.1: 568 of 605,514 alleles (0.094%); highest among the groups gnomAD compares: East Asian, 1.5%; 6 homozygotes.

Submission:

Illumina Laboratory Services, Illumina
Classification: Likely benign for TNF receptor-associated periodic fever syndrome (TRAPS). Last evaluated: 2018-01-13. Review status: criteria provided, single submitter. Criteria: ICSL Variant Classification Criteria 13 December 2019. Collection method: clinical testing. Allele origin: germline.
Comment: This variant was observed in the ICSL laboratory as part of a predisposition screen in an ostensibly healthy population. It had not been previously curated by ICSL or reported in the Human Gene Mutation Database (HGMD: prior to June 1st, 2018), and was therefore a candidate for classification through an automated scoring system. Utilizing variant allele frequency, disease prevalence and penetrance estimates, and inheritance mode, an automated score was calculated to assess if this variant is too frequent to cause the disease. Based on the score and internal cut-off values, a variant classified as likely benign is not then subjected to further curation. The score for this variant resulted in a classification of likely benign for this disease.